The following is an entry in ClinVar:

NM_030928.4(CDT1):c.638C>T (p.Thr213Met)

Gene: CDT1 (chromatin licensing and DNA replication factor 1; plus strand). Cytogenetic location: 16q24.3.
Variant type: single nucleotide variant.
Coding change: c.638C>T on transcript NM_030928.4 (MANE Select); coding-DNA position 638, C replaced by T.
Protein change: p.Thr213Met; replaces threonine 213 with methionine.
Molecular consequence: missense variant.
Genome position (GRCh38, 1-based): chr16:88,805,589, C>T. VCF-style: chr16-88805589-C-T. GRCh37 (hg19) VCF-style: chr16-88871997-C-T.
Other names: short protein forms T213M.
Identifiers: ClinVar variation 1462285 (VCV001462285.8), dbSNP rs146872515, ClinGen allele CA8233737.
Genomic context (GRCh38, chr16:88,805,589, plus strand): 5'-TGGCGGAGATGTTCCGCAGCATGGACACCATCGTGGGCATGCTCCACAACCGCTCCGAGA[C>T]GCCCACCTTTGCCAAGGTCCAGCGGGGCGTCCAGGACATGATGCGTAGGTGAGTGGCCGG-3'
Protein context (NP_112190.2, residues 203-223): IVGMLHNRSE[Thr213Met]PTFAKVQRGV

ClinVar aggregate classification (germline): Uncertain significance (1 of 4 stars; one submission).

Allele frequency attached by ClinVar (database versions not stated): ESP Exome Variant Server 0.00008.
gnomAD v4.1: 15 of 1,612,734 alleles (0.00093%); highest among the groups gnomAD compares: Middle Eastern, 0.016%; no homozygotes.

Submission:

Labcorp Genetics (formerly Invitae), Labcorp
Classification: Uncertain significance. Last evaluated: 2021-05-25. Review status: criteria provided, single submitter. Criteria: Invitae Variant Classification Sherloc (09022015). Collection method: clinical testing. Allele origin: germline.
Comment: In summary, the available evidence is currently insufficient to determine the role of this variant in disease. Therefore, it has been classified as a Variant of Uncertain Significance. Algorithms developed to predict the effect of missense changes on protein structure and function are either unavailable or do not agree on the potential impact of this missense change (SIFT: "Deleterious"; PolyPhen-2: "Probably Damaging"; Align-GVGD: "Class C0"). This variant has not been reported in the literature in individuals with CDT1-related conditions. This variant is present in population databases (rs146872515, ExAC 0.01%). This sequence change replaces threonine with methionine at codon 213 of the CDT1 protein (p.Thr213Met). The threonine residue is highly conserved and there is a moderate physicochemical difference between threonine and methionine.